The following is an entry in ClinVar:

NM_002381.5(MATN3):c.1084A>G (p.Ile362Val)

Genes: MATN3 (matrilin 3; minus strand), WDR35-DT (WDR35 divergent transcript; plus strand). Cytogenetic location: 2p24.1.
Variant type: single nucleotide variant.
Coding change: c.1084A>G on transcript NM_002381.5 (MANE Select); coding-DNA position 1084, A replaced by G.
Protein change: p.Ile362Val; replaces isoleucine 362 with valine.
Molecular consequence: missense variant.
Genome position (GRCh38, 1-based): chr2:20,000,525, T>C on the plus strand (A>G on the coding strand, the complement: MATN3 is on the minus strand). VCF-style: chr2-20000525-T-C. GRCh37 (hg19) VCF-style: chr2-20200286-T-C.
Other names: short protein forms I362V.
Identifiers: ClinVar variation 3629280 (VCV003629280.2).
Genomic context (GRCh38, chr2:20,000,525, plus strand): 5'-TCAGAGTGTAGCCCTCATAGCATTCACAATGATGGGACCCTGTTCTGTCATTCACACAAA[T>C]GTGCTGACACCCATGGGTACCCAAAGCACATTTATCTTGAGCTGTGAAACAAAAAGTCAG-3'
Protein context (NP_002372.1, residues 352-372): CALGTHGCQH[Ile362Val]CVNDRTGSHH

ClinVar aggregate classification (germline): Uncertain significance (1 of 4 stars; one submission).

gnomAD v4.1: 78 of 1,612,330 alleles (0.0048%); highest among the groups gnomAD compares: Non-Finnish European, 0.0064%; 1 homozygote.

Submission:

Labcorp Genetics (formerly Invitae), Labcorp
Classification: Uncertain significance. Last evaluated: 2024-10-16. Review status: criteria provided, single submitter. Criteria: Invitae Variant Classification Sherloc (09022015). Collection method: clinical testing. Allele origin: germline.
Comment: This sequence change replaces isoleucine, which is neutral and non-polar, with valine, which is neutral and non-polar, at codon 362 of the MATN3 protein (p.Ile362Val). This variant is present in population databases (rs367990044, gnomAD 0.007%). This variant has not been reported in the literature in individuals affected with MATN3-related conditions. Invitae Evidence Modeling of protein sequence and biophysical properties (such as structural, functional, and spatial information, amino acid conservation, physicochemical variation, residue mobility, and thermodynamic stability) indicates that this missense variant is not expected to disrupt MATN3 protein function with a negative predictive value of 80%. In summary, the available evidence is currently insufficient to determine the role of this variant in disease. Therefore, it has been classified as a Variant of Uncertain Significance.